The following is an entry in ClinVar:

ClinVar aggregate classification (germline): Uncertain significance (1 of 4 stars; one submission).

Allele frequency attached by ClinVar (database versions not stated): gnomAD 0.00001; gnomAD exomes 0.00003.
gnomAD v4.1: 27 of 1,613,628 alleles (0.0017%); highest among the groups gnomAD compares: East Asian, 0.0022%; no homozygotes.

Submission:

Labcorp Genetics (formerly Invitae), Labcorp
Classification: Uncertain significance. Last evaluated: 2024-08-12. Review status: criteria provided, single submitter. Criteria: Invitae Variant Classification Sherloc (09022015). Collection method: clinical testing. Allele origin: germline.
Comment: This sequence change replaces glycine, which is neutral and non-polar, with serine, which is neutral and polar, at codon 363 of the ARHGEF18 protein (p.Gly363Ser). This variant is present in population databases (rs572894452, gnomAD 0.006%). This variant has not been reported in the literature in individuals affected with ARHGEF18-related conditions. ClinVar contains an entry for this variant (Variation ID: 1015822). An algorithm developed to predict the effect of missense changes on protein structure and function outputs the following: PolyPhen-2: "Possibly Damaging". The serine amino acid residue is found in multiple mammalian species, which suggests that this missense change does not adversely affect protein function. In summary, the available evidence is currently insufficient to determine the role of this variant in disease. Therefore, it has been classified as a Variant of Uncertain Significance.

NM_001367823.1(ARHGEF18):c.1651G>A (p.Gly551Ser)

Gene: ARHGEF18 (Rho/Rac guanine nucleotide exchange factor 18; plus strand). Cytogenetic location: 19p13.2.
Variant type: single nucleotide variant.
Coding change: c.1651G>A on transcript NM_001367823.1 (MANE Select); coding-DNA position 1651, G replaced by A.
Protein change: p.Gly551Ser; replaces glycine 551 with serine.
Molecular consequence: missense variant.
Genome position (GRCh38, 1-based): chr19:7,447,082, G>A. VCF-style: chr19-7447082-G-A. GRCh37 (hg19) VCF-style: chr19-7511968-G-A.
Other names: c.925G>A, p.Gly309Ser (NM_001130955.2); c.613G>A, p.Gly205Ser (NM_001367824.1, NM_015318.4); short protein forms G205S, G309S, G551S.
Identifiers: ClinVar variation 1015822 (VCV001015822.5), dbSNP rs572894452, ClinGen allele CA9136541.